The following is an entry in ClinVar:

ClinVar aggregate classification (germline): Uncertain significance (1 of 4 stars; one submission).

Conditions:
Familial adenomatous polyposis 1 (FAP1). Also called: POLYPOSIS, ADENOMATOUS INTESTINAL; FAMILIAL ADENOMATOUS POLYPOSIS 1, ATTENUATED. Identifiers: MedGen C2713442, MONDO:0021056, OMIM 175100. Disease mechanism: loss of function.

Submission:

Labcorp Genetics (formerly Invitae), Labcorp
Classification: Uncertain significance for Familial adenomatous polyposis 1. Last evaluated: 2025-06-08. Review status: criteria provided, single submitter. Criteria: Invitae Variant Classification Sherloc (09022015). Collection method: clinical testing. Allele origin: germline.
Comment: This sequence change replaces glycine, which is neutral and non-polar, with aspartic acid, which is acidic and polar, at codon 817 of the APC protein (p.Gly817Asp). This variant is not present in population databases (gnomAD no frequency). This variant has not been reported in the literature in individuals affected with APC-related conditions. ClinVar contains an entry for this variant (Variation ID: 936905). Invitae Evidence Modeling of protein sequence and biophysical properties (such as structural, functional, and spatial information, amino acid conservation, physicochemical variation, residue mobility, and thermodynamic stability) indicates that this missense variant is not expected to disrupt APC protein function with a negative predictive value of 95%. In summary, the available evidence is currently insufficient to determine the role of this variant in disease. Therefore, it has been classified as a Variant of Uncertain Significance.

NM_000038.6(APC):c.2450G>A (p.Gly817Asp)

Gene: APC (APC regulator of Wnt signaling pathway; plus strand). Cytogenetic location: 5q22.2.
Variant type: single nucleotide variant.
Coding change: c.2450G>A on transcript NM_000038.6 (MANE Select); coding-DNA position 2450, G replaced by A.
Protein change: p.Gly817Asp; replaces glycine 817 with aspartic acid.
Molecular consequence: missense variant.
Genome position (GRCh38, 1-based): chr5:112,838,044, G>A. VCF-style: chr5-112838044-G-A. GRCh37 (hg19) VCF-style: chr5-112173741-G-A.
Other names: c.2450G>A, p.Gly817Asp (NM_001127510.3, NM_001354895.2); c.2396G>A, p.Gly799Asp (NM_001127511.3); c.2504G>A, p.Gly835Asp (NM_001354896.2); c.2480G>A, p.Gly827Asp (NM_001354897.2); c.2375G>A, p.Gly792Asp (NM_001354898.2); c.2366G>A, p.Gly789Asp (NM_001354899.2); c.2327G>A, p.Gly776Asp (NM_001354900.2); c.2273G>A, p.Gly758Asp (NM_001354901.2); and 5 more; short protein forms G817D, G835D, G534D, G716D, G776D, G792D, G691D, G726D.
Identifiers: ClinVar variation 936905 (VCV000936905.11), dbSNP rs1421356952, ClinGen allele CA16026713.